The following is an entry in ClinVar:

ClinVar aggregate classification (germline): Uncertain significance (1 of 4 stars; one submission).

Conditions:
Inborn genetic diseases. Identifiers: MedGen C0950123, MeSH D030342.

Submission:

Ambry Genetics
Classification: Uncertain significance for Inborn genetic diseases. Last evaluated: 2024-12-25. Review status: criteria provided, single submitter. Criteria: Ambry Variant Classification Scheme 2023. Collection method: clinical testing. Allele origin: germline.
Comment: The p.H195D variant (also known as c.583C>G), located in coding exon 5 of the RECQL4 gene, results from a C to G substitution at nucleotide position 583. The histidine at codon 195 is replaced by aspartic acid, an amino acid with similar properties. This amino acid position is conserved. In addition, the in silico prediction for this alteration is inconclusive. Based on the available evidence, the clinical significance of this variant remains unclear.

NM_004260.4(RECQL4):c.583C>G (p.His195Asp)

Gene: RECQL4 (RecQ like helicase 4; minus strand). Cytogenetic location: 8q24.3.
Variant type: single nucleotide variant.
Coding change: c.583C>G on transcript NM_004260.4 (MANE Select); coding-DNA position 583, C replaced by G.
Protein change: p.His195Asp; replaces histidine 195 with aspartic acid.
Molecular consequence: missense variant. On other transcripts: 5 prime UTR variant (15), non-coding transcript variant (3), intron variant (3).
Genome position (GRCh38, 1-based): chr8:144,516,536, G>C on the plus strand (C>G on the coding strand, the complement: RECQL4 is on the minus strand). VCF-style: chr8-144516536-G-C. GRCh37 (hg19) VCF-style: chr8-145741920-G-C.
Other names: c.583C>G, p.His195Asp (NM_001413017.1, NM_001413018.1, NM_001413019.1 and 4 more transcripts); c.-489C>G (NM_001413022.1, NM_001413023.1, NM_001413024.1 and 5 more transcripts); c.454C>G, p.His152Asp (NM_001413025.1); c.-551C>G (NM_001413027.1, NM_001413030.1, NM_001413031.1 and 2 more transcripts); c.-393C>G (NM_001413034.1); c.-758C>G (NM_001413043.1); c.355-123C>G (NM_001413029.1); c.-366-123C>G (NM_001413021.1, NM_001413028.1); short protein forms H152D, H195D.
Identifiers: ClinVar variation 3787967 (VCV003787967.1).